The following is an entry in ClinVar:

NM_001365999.1(SZT2):c.6532G>A (p.Val2178Met)

Gene: SZT2 (SZT2 subunit of KICSTOR complex; plus strand). Cytogenetic location: 1p34.2.
Variant type: single nucleotide variant.
Coding change: c.6532G>A on transcript NM_001365999.1 (MANE Select); coding-DNA position 6532, G replaced by A.
Protein change: p.Val2178Met; replaces valine 2178 with methionine.
Molecular consequence: missense variant.
Genome position (GRCh38, 1-based): chr1:43,438,722, G>A. VCF-style: chr1-43438722-G-A. GRCh37 (hg19) VCF-style: chr1-43904393-G-A.
Other names: c.6361G>A, p.Val2121Met (NM_015284.4); short protein forms V2121M, V2178M.
Identifiers: ClinVar variation 842256 (VCV000842256.9), dbSNP rs143685264, ClinGen allele CA809937.

ClinVar aggregate classification (germline): Uncertain significance. Review status: criteria provided, multiple submitters, no conflicts (2 of 4 stars). 4 submissions from 4 submitters: Uncertain significance (4). Last evaluated 2025-08-06.

Conditions:
Inborn genetic diseases. Identifiers: MedGen C0950123, MeSH D030342.
Developmental and epileptic encephalopathy, 18 (DEE18). Also called: Early infantile epileptic encephalopathy 18. Identifiers: Orphanet 369894, MedGen C3809624, MONDO:0014201, OMIM 615476.

Allele frequency attached by ClinVar (database versions not stated): ExAC 0.00003; gnomAD exomes 0.00004; TOPMed 0.00010; ESP Exome Variant Server 0.00023.
gnomAD v4.1: 216 of 1,613,956 alleles (0.013%); highest among the groups gnomAD compares: Non-Finnish European, 0.017%; no homozygotes.

Submissions (4):

Ambry Genetics
Classification: Uncertain significance for Inborn genetic diseases. Last evaluated: 2025-08-06. Review status: criteria provided, single submitter. Criteria: Ambry Variant Classification Scheme 2023. Collection method: clinical testing. Allele origin: germline.

GeneDx
Classification: Uncertain significance. Last evaluated: 2023-10-17. Review status: criteria provided, single submitter. Criteria: GeneDx Variant Classification Process June 2021. Collection method: clinical testing. Allele origin: germline. Affected: yes.
Comment: Not observed at a significant frequency in large population cohorts (gnomAD); In silico analysis supports that this missense variant does not alter protein structure/function; Has not been previously published as pathogenic or benign to our knowledge

Genome-Nilou Lab
Classification: Uncertain significance for Developmental and epileptic encephalopathy, 18. Last evaluated: 2023-04-11. Review status: criteria provided, single submitter. Criteria: ACMG Guidelines, 2015. Collection method: clinical testing. Allele origin: germline. Affected: no.

Labcorp Genetics (formerly Invitae), Labcorp
Classification: Uncertain significance. Last evaluated: 2022-08-23. Review status: criteria provided, single submitter. Criteria: Invitae Variant Classification Sherloc (09022015). Collection method: clinical testing. Allele origin: germline.
Comment: This sequence change replaces valine, which is neutral and non-polar, with methionine, which is neutral and non-polar, at codon 2121 of the SZT2 protein (p.Val2121Met). This variant is present in population databases (rs143685264, gnomAD 0.01%). This variant has not been reported in the literature in individuals affected with SZT2-related conditions. ClinVar contains an entry for this variant (Variation ID: 842256). Algorithms developed to predict the effect of missense changes on protein structure and function are either unavailable or do not agree on the potential impact of this missense change (SIFT: "Tolerated"; PolyPhen-2: "Possibly Damaging"; Align-GVGD: "Class C0"). In summary, the available evidence is currently insufficient to determine the role of this variant in disease. Therefore, it has been classified as a Variant of Uncertain Significance.